The following is an entry in ClinVar:

ClinVar aggregate classification (germline): Uncertain significance (1 of 4 stars; one submission).

Submission:

GeneDx
Classification: Uncertain significance. Last evaluated: 2023-03-09. Review status: criteria provided, single submitter. Criteria: GeneDx Variant Classification Process June 2021. Collection method: clinical testing. Allele origin: germline. Affected: yes.
Comment: Not observed at significant frequency in large population cohorts (gnomAD); In silico analysis supports that this missense variant has a deleterious effect on protein structure/function; Has not been previously published as pathogenic or benign to our knowledge

NM_144508.5(KNL1):c.5126A>C (p.Gln1709Pro)

Gene: KNL1 (kinetochore scaffold 1; plus strand). Cytogenetic location: 15q15.1.
Variant type: single nucleotide variant.
Coding change: c.5126A>C on transcript NM_144508.5 (MANE Select); coding-DNA position 5126, A replaced by C.
Protein change: p.Gln1709Pro; replaces glutamine 1709 with proline.
Molecular consequence: missense variant.
Genome position (GRCh38, 1-based): chr15:40,625,390, A>C. VCF-style: chr15-40625390-A-C. GRCh37 (hg19) VCF-style: chr15-40917588-A-C.
Other names: c.5204A>C, p.Gln1735Pro (NM_170589.5); short protein forms Q1709P, Q1735P.
Identifiers: ClinVar variation 2579620 (VCV002579620.1), dbSNP rs370065656, ClinGen allele CA268827837.
Genomic context (GRCh38, chr15:40,625,390, plus strand): 5'-TCTCTAGCAAAGATTCAGGCATTGGATCTGTTGCAGGTAAACTGAACCTAAGTCCTTCTC[A>C]ATATATAAATGAGGAAAATCTTCCTGTATATCCTGATGAGATCAATTCTTCAGACTCTAT-3'
Protein context (NP_653091.3, residues 1699-1719): VAGKLNLSPS[Gln1709Pro]YINEENLPVY